The following is an entry in ClinVar:

NM_001606.5(ABCA2):c.163+10C>T

Gene: ABCA2 (ATP binding cassette subfamily A member 2; minus strand). Cytogenetic location: 9q34.3.
Variant type: single nucleotide variant.
Coding change: c.163+10C>T on transcript NM_001606.5 (MANE Select); 10 bases into the intron after coding-DNA position 163, C replaced by T.
Molecular consequence: intron variant.
Genome position (GRCh38, 1-based): chr9:137,023,828, G>A on the plus strand (C>T on the coding strand, the complement: ABCA2 is on the minus strand). VCF-style: chr9-137023828-G-A. GRCh37 (hg19) VCF-style: chr9-139918280-G-A.
Other names: c.253+10C>T (NM_212533.3); c.160+315C>T (NM_001411042.1).
Identifiers: ClinVar variation 3034434 (VCV003034434.3), dbSNP rs376809252, ClinGen allele CA5355974.

ClinVar aggregate classification (germline): Likely benign. Review status: criteria provided, single submitter (1 of 4 stars). 2 submissions from 2 submitters: Likely benign (1). 1 of the submissions does not count toward it. Last evaluated 2024-09-16.

Conditions:
ABCA2-related disorder. Also called: ABCA2-related condition.

gnomAD v4.1: 45 of 783,822 alleles (0.0057%); highest among the groups gnomAD compares: Admixed American, 0.022%; no homozygotes.

Submissions (2):

Blueprint Genetics
Classification: Likely benign. Last evaluated: 2024-09-16. Review status: criteria provided, single submitter. Criteria: ACMG Guidelines, 2015. Collection method: clinical testing. Allele origin: germline.

PreventionGenetics, part of Exact Sciences
Classification: Likely benign for ABCA2-related condition. Last evaluated: 2019-06-14. Review status: no assertion criteria provided. Collection method: clinical testing. Allele origin: germline. Not counted in ClinVar's aggregate classification.
Comment: This variant is classified as likely benign based on ACMG/AMP sequence variant interpretation guidelines (Richards et al. 2015 PMID: 25741868, with internal and published modifications).